The following is an entry in ClinVar:

ClinVar aggregate classification (germline): Uncertain significance (1 of 4 stars; one submission).

Conditions:
Peroxisome biogenesis disorder. Identifiers: Orphanet 79189, MedGen C1832200, MONDO:0019234. Disease mechanism: loss of function.

Allele frequency attached by ClinVar (database versions not stated): gnomAD 0.00001; TOPMed 0.00001.
gnomAD v4.1: 2 of 1,613,180 alleles (0.00012%); highest among the groups gnomAD compares: African/African-American, 0.0027%; no homozygotes.

Submission:

Labcorp Genetics (formerly Invitae), Labcorp
Classification: Uncertain significance for Peroxisome biogenesis disorder. Last evaluated: 2022-04-23. Review status: criteria provided, single submitter. Criteria: Invitae Variant Classification Sherloc (09022015). Collection method: clinical testing. Allele origin: germline.
Comment: This sequence change replaces leucine, which is neutral and non-polar, with phenylalanine, which is neutral and non-polar, at codon 742 of the PEX6 protein (p.Leu742Phe). This variant is not present in population databases (gnomAD no frequency). This variant has not been reported in the literature in individuals affected with PEX6-related conditions. Algorithms developed to predict the effect of missense changes on protein structure and function are either unavailable or do not agree on the potential impact of this missense change (SIFT: "Tolerated"; PolyPhen-2: "Probably Damaging"; Align-GVGD: "Class C0"). In summary, the available evidence is currently insufficient to determine the role of this variant in disease. Therefore, it has been classified as a Variant of Uncertain Significance.

NM_000287.4(PEX6):c.2224C>T (p.Leu742Phe)

Gene: PEX6 (peroxisomal biogenesis factor 6; minus strand). Cytogenetic location: 6p21.1.
Variant type: single nucleotide variant.
Coding change: c.2224C>T on transcript NM_000287.4 (MANE Select); coding-DNA position 2224, C replaced by T.
Protein change: p.Leu742Phe; replaces leucine 742 with phenylalanine.
Molecular consequence: missense variant.
Genome position (GRCh38, 1-based): chr6:42,966,318, G>A on the plus strand (C>T on the coding strand, the complement: PEX6 is on the minus strand). VCF-style: chr6-42966318-G-A. GRCh37 (hg19) VCF-style: chr6-42934056-G-A.
Other names: c.1960C>T, p.Leu654Phe (NM_001316313.2); short protein forms L654F, L742F.
Identifiers: ClinVar variation 2172649 (VCV002172649.1), dbSNP rs1369209152, ClinGen allele CA364152253.